The following is an entry in ClinVar:

NM_000256.3(MYBPC3):c.3581C>T (p.Ala1194Val)

Gene: MYBPC3 (myosin binding protein C3; minus strand). Cytogenetic location: 11p11.2.
Variant type: single nucleotide variant.
Coding change: c.3581C>T on transcript NM_000256.3 (MANE Select); coding-DNA position 3581, C replaced by T.
Protein change: p.Ala1194Val; replaces alanine 1194 with valine.
Molecular consequence: missense variant.
Genome position (GRCh38, 1-based): chr11:47,332,612, G>A on the plus strand (C>T on the coding strand, the complement: MYBPC3 is on the minus strand). VCF-style: chr11-47332612-G-A. GRCh37 (hg19) VCF-style: chr11-47354163-G-A.
Other names: p.A1194V:GCG>GTG; c.3581C>T, p.Ala1194Val (LRG_386t1); short protein forms A1194V.
Identifiers: ClinVar variation 181012 (VCV000181012.22), dbSNP rs730880594, ClinGen allele CA014370.
Genomic context (GRCh38, chr11:47,332,612, plus strand): 5'-CTAAAGTTCCCTACCTTGGGGCTACCCCGGACAGCACAGCAGAGCATAGCAGTGTAGCCC[G>A]CGATGACCGAGCGGTTCACCAGGGGCTGGGTGAAGCTTGGGGCCTCGGAGAAGTCCAGGG-3'
Protein context (NP_000247.2, residues 1184-1204): TQPLVNRSVI[Ala1194Val]GYTAMLCCAV

ClinVar aggregate classification (germline): Conflicting classifications of pathogenicity. Review status: criteria provided, conflicting classifications (1 of 4 stars). 5 submissions from 5 submitters: Uncertain significance (2); Likely benign (3). Last evaluated 2025-12-16.

Conditions:
Cardiovascular phenotype. Identifiers: MedGen CN230736.
Cardiomyopathy (CMYO). Also called: Cardiomyopathies. Identifiers: Orphanet 167848, MedGen C0878544, MONDO:0004994, HP:0001638. Inheritance: Various modes of inheritance.
Hypertrophic cardiomyopathy. Also called: HYPERTROPHIC MYOCARDIOPATHY. Identifiers: Orphanet 217569, MedGen C0007194, MeSH D002312, MONDO:0005045, HP:0001639.

Allele frequency attached by ClinVar (database versions not stated): ExAC 0.00008; gnomAD exomes 0.00003 and 0.00010; gnomAD 0.00004 and 0.00003; TOPMed 0.00005.
gnomAD v4.1: 41 of 1,613,776 alleles (0.0025%); highest among the groups gnomAD compares: Admixed American, 0.048%; 1 homozygote.

Submissions (5):

Labcorp Genetics (formerly Invitae), Labcorp
Classification: Likely benign for Hypertrophic cardiomyopathy. Last evaluated: 2025-12-16. Review status: criteria provided, single submitter. Criteria: Invitae Variant Classification Sherloc (09022015). Collection method: clinical testing. Allele origin: germline.

GeneDx
Classification: Uncertain significance. Last evaluated: 2024-10-03. Review status: criteria provided, single submitter. Criteria: GeneDx Variant Classification Process June 2021. Collection method: clinical testing. Allele origin: germline. Affected: yes.
Comment: Identified in a cohort of patients with HCM in published literature (PMID: 31199839); In silico analysis supports that this missense variant has a deleterious effect on protein structure/function; This variant is associated with the following publications: (PMID: 28679633, 31199839)

Ambry Genetics
Classification: Likely benign for Cardiovascular phenotype. Last evaluated: 2022-01-12. Review status: criteria provided, single submitter. Criteria: Ambry Variant Classification Scheme 2023. Collection method: clinical testing. Allele origin: germline.

Color Diagnostics, LLC DBA Color Health
Classification: Likely benign for Cardiomyopathy. Last evaluated: 2021-04-15. Review status: criteria provided, single submitter. Criteria: ACMG Guidelines, 2015. Collection method: clinical testing. Allele origin: germline.

Stanford Center for Inherited Cardiovascular Disease, Stanford University
Classification: Uncertain significance. Last evaluated: 2013-08-01. Review status: criteria provided, single submitter. Criteria: ACMG Guidelines, 2015. Collection method: provider interpretation. Allele origin: germline.